The following is an entry in ClinVar:

ClinVar aggregate classification (germline): Uncertain significance (1 of 4 stars; one submission).

Conditions:
Sphingolipid activator protein 1 deficiency. Also called: Metachromatic leukodystrophy due to saposin B deficiency; METACHROMATIC LEUKODYSTROPHY DUE TO CEREBROSIDE SULFATASE ACTIVATOR DEFICIENCY; Saposin B Deficiency. Identifiers: Orphanet 512, MedGen C0268262, MONDO:0009590, OMIM 249900.

Allele frequency attached by ClinVar (database versions not stated): gnomAD 0.00003; gnomAD exomes 0.00003 and 0.00005; ExAC 0.00004; TOPMed 0.00004.
gnomAD v4.1: 19 of 1,614,106 alleles (0.0012%); highest among the groups gnomAD compares: Admixed American, 0.032%; no homozygotes.

Submission:

Labcorp Genetics (formerly Invitae), Labcorp
Classification: Uncertain significance for Sphingolipid activator protein 1 deficiency. Last evaluated: 2024-10-21. Review status: criteria provided, single submitter. Criteria: Invitae Variant Classification Sherloc (09022015). Collection method: clinical testing. Allele origin: germline.
Comment: This sequence change replaces methionine with arginine at codon 277 of the PSAP protein (p.Met277Arg). The methionine residue is weakly conserved and there is a moderate physicochemical difference between methionine and arginine. This variant is present in population databases (rs772914489, gnomAD 0.04%). This variant has not been reported in the literature in individuals affected with PSAP-related conditions. ClinVar contains an entry for this variant (Variation ID: 1430633). Invitae Evidence Modeling of protein sequence and biophysical properties (such as structural, functional, and spatial information, amino acid conservation, physicochemical variation, residue mobility, and thermodynamic stability) indicates that this missense variant is not expected to disrupt PSAP protein function with a negative predictive value of 95%. In summary, the available evidence is currently insufficient to determine the role of this variant in disease. Therefore, it has been classified as a Variant of Uncertain Significance.

NM_002778.4(PSAP):c.830T>G (p.Met277Arg)

Gene: PSAP (prosaposin; minus strand). Cytogenetic location: 10q22.1.
Variant type: single nucleotide variant.
Coding change: c.830T>G on transcript NM_002778.4 (MANE Select); coding-DNA position 830, T replaced by G.
Protein change: p.Met277Arg; replaces methionine 277 with arginine.
Molecular consequence: missense variant.
Genome position (GRCh38, 1-based): chr10:71,821,955, A>C on the plus strand (T>G on the coding strand, the complement: PSAP is on the minus strand). VCF-style: chr10-71821955-A-C. GRCh37 (hg19) VCF-style: chr10-73581712-A-C.
Other names: c.839T>G, p.Met280Arg (NM_001042465.3); c.836T>G, p.Met279Arg (NM_001042466.3); short protein forms M279R, M277R, M280R.
Identifiers: ClinVar variation 1430633 (VCV001430633.4), dbSNP rs772914489, ClinGen allele CA5547594.